The following is an entry in ClinVar:

NM_003235.5(TG):c.7132C>T (p.Arg2378Trp)

Gene: TG (thyroglobulin; plus strand). Cytogenetic location: 8q24.22.
Variant type: single nucleotide variant.
Coding change: c.7132C>T on transcript NM_003235.5 (MANE Select); coding-DNA position 7132, C replaced by T.
Protein change: p.Arg2378Trp; replaces arginine 2378 with tryptophan.
Molecular consequence: missense variant.
Genome position (GRCh38, 1-based): chr8:133,029,916, C>T. VCF-style: chr8-133029916-C-T. GRCh37 (hg19) VCF-style: chr8-134042161-C-T.
Other names: short protein forms R2378W.
Identifiers: ClinVar variation 911335 (VCV000911335.6), dbSNP rs778035632, ClinGen allele CA4885142.

ClinVar aggregate classification (germline): Uncertain significance. Review status: criteria provided, multiple submitters, no conflicts (2 of 4 stars). 3 submissions from 3 submitters: Uncertain significance (3). Last evaluated 2025-07-30.

Conditions:
Inborn genetic diseases. Identifiers: MedGen C0950123, MeSH D030342.
Iodotyrosyl coupling defect (TDH3). Also called: HYPOTHYROIDISM, CONGENITAL, DUE TO DYSHORMONOGENESIS, 3; THYROID HORMONOGENESIS, GENETIC DEFECT IN, 3. Identifiers: Orphanet 95716, MedGen C0342194, MONDO:0010135, OMIM 274700.

Allele frequency attached by ClinVar (database versions not stated): ExAC 0.00004; TOPMed 0.00007.
gnomAD v4.1: 44 of 1,614,068 alleles (0.0027%); highest among the groups gnomAD compares: African/African-American, 0.015%; no homozygotes.

Submissions (3):

GeneDx
Classification: Uncertain significance. Last evaluated: 2025-07-30. Review status: criteria provided, single submitter. Criteria: GeneDx Variant Classification Process June 2021. Collection method: clinical testing. Allele origin: germline. Affected: yes.
Comment: In silico analysis supports that this missense variant has a deleterious effect on protein structure/function; Has not been previously published as pathogenic or benign to our knowledge

Ambry Genetics
Classification: Uncertain significance for Inborn genetic diseases. Last evaluated: 2024-08-14. Review status: criteria provided, single submitter. Criteria: Ambry Variant Classification Scheme 2023. Collection method: clinical testing. Allele origin: germline.

Illumina Laboratory Services, Illumina
Classification: Uncertain significance for Iodotyrosyl coupling defect. Last evaluated: 2018-01-12. Review status: criteria provided, single submitter. Criteria: ICSL Variant Classification Criteria 13 December 2019. Collection method: clinical testing. Allele origin: germline.